The following is an entry in ClinVar:

NM_003742.4(ABCB11):c.1254T>C (p.Gly418=)

Gene: ABCB11 (ATP binding cassette subfamily B member 11; minus strand). Cytogenetic location: 2q31.1.
Variant type: single nucleotide variant.
Coding change: c.1254T>C on transcript NM_003742.4 (MANE Select); coding-DNA position 1254, T replaced by C.
Protein change: p.Gly418=; no amino-acid change (glycine 418 retained).
Molecular consequence: synonymous variant.
Genome position (GRCh38, 1-based): chr2:168,976,631, A>G on the plus strand (T>C on the coding strand, the complement: ABCB11 is on the minus strand). VCF-style: chr2-168976631-A-G. GRCh37 (hg19) VCF-style: chr2-169833141-A-G.
Other names: c.1254T>C, p.Gly418= (LRG_1199t1).
Identifiers: ClinVar variation 500457 (VCV000500457.22), dbSNP rs140138979, ClinGen allele CA1951639.

ClinVar aggregate classification (germline): Conflicting classifications of pathogenicity. Review status: criteria provided, conflicting classifications (1 of 4 stars). 4 submissions from 4 submitters: Uncertain significance (2); Likely benign (1). 1 of the submissions does not count toward it. Last evaluated 2025-12-30.

Conditions:
ABCB11-related disorder. Also called: ABCB11-related condition.
Progressive familial intrahepatic cholestasis type 2. Identifiers: Orphanet 79304, MedGen C3489789, MONDO:0011156, OMIM 601847.

Allele frequency attached by ClinVar (database versions not stated): gnomAD exomes 0.00002 and 0.00005; ExAC 0.00010; gnomAD 0.00030 and 0.00032; 1000 Genomes Project 0.00040; ESP Exome Variant Server 0.00041; 1000 Genomes Project 30x 0.00047; TOPMed 0.00056.
gnomAD v4.1: 81 of 1,610,170 alleles (0.005%); highest among the groups gnomAD compares: African/African-American, 0.068%; no homozygotes.

Submissions (4):

Labcorp Genetics (formerly Invitae), Labcorp
Classification: Likely benign. Last evaluated: 2025-12-30. Review status: criteria provided, single submitter. Criteria: Invitae Variant Classification Sherloc (09022015). Collection method: clinical testing. Allele origin: germline.

Eurofins Ntd Llc (ga)
Classification: Uncertain significance. Last evaluated: 2018-04-20. Review status: criteria provided, single submitter. Criteria: EGL ClinVar v180209 classification definitions. Collection method: clinical testing. Allele origin: germline. Observed: 3 variant alleles, 3 heterozygotes.

Illumina Laboratory Services, Illumina
Classification: Uncertain significance for Progressive familial intrahepatic cholestasis type 2. Last evaluated: 2017-04-28. Review status: criteria provided, single submitter. Criteria: ICSL Variant Classification Criteria 13 December 2019. Collection method: clinical testing. Allele origin: germline.

PreventionGenetics, part of Exact Sciences
Classification: Likely benign for ABCB11-related condition. Last evaluated: 2021-12-29. Review status: no assertion criteria provided. Collection method: clinical testing. Allele origin: germline. Not counted in ClinVar's aggregate classification.
Comment: This variant is classified as likely benign based on ACMG/AMP sequence variant interpretation guidelines (Richards et al. 2015 PMID: 25741868, with internal and published modifications).